The following is an entry in ClinVar:

NM_001031689.3(PLAA):c.2225C>G (p.Thr742Ser)

Gene: PLAA (phospholipase A2 activating protein; minus strand). Cytogenetic location: 9p21.2.
Variant type: single nucleotide variant.
Coding change: c.2225C>G on transcript NM_001031689.3 (MANE Select); coding-DNA position 2225, C replaced by G.
Protein change: p.Thr742Ser; replaces threonine 742 with serine.
Molecular consequence: missense variant.
Genome position (GRCh38, 1-based): chr9:26,905,674, G>C on the plus strand (C>G on the coding strand, the complement: PLAA is on the minus strand). VCF-style: chr9-26905674-G-C. GRCh37 (hg19) VCF-style: chr9-26905672-G-C.
Other names: c.2156C>G, p.Thr719Ser (NM_001321546.2); short protein forms T719S, T742S.
Identifiers: ClinVar variation 1717729 (VCV001717729.5), dbSNP rs1251161698, ClinGen allele CA373125341.

ClinVar aggregate classification (germline): Uncertain significance (1 of 4 stars; one submission).

gnomAD v4.1: 1 of 1,614,192 alleles (0.000062%); highest among the groups gnomAD compares: Non-Finnish European, 0.000085%; no homozygotes.

Submission:

Labcorp Genetics (formerly Invitae), Labcorp
Classification: Uncertain significance. Last evaluated: 2022-08-22. Review status: criteria provided, single submitter. Criteria: Invitae Variant Classification Sherloc (09022015). Collection method: clinical testing. Allele origin: germline.
Comment: This variant is not present in population databases (gnomAD no frequency). In summary, the available evidence is currently insufficient to determine the role of this variant in disease. Therefore, it has been classified as a Variant of Uncertain Significance. Algorithms developed to predict the effect of missense changes on protein structure and function (SIFT, PolyPhen-2, Align-GVGD) all suggest that this variant is likely to be tolerated. This variant has not been reported in the literature in individuals affected with PLAA-related conditions. This sequence change replaces threonine, which is neutral and polar, with serine, which is neutral and polar, at codon 742 of the PLAA protein (p.Thr742Ser).